The following is an entry in ClinVar:

NM_000384.3(APOB):c.3414C>T (p.Leu1138=)

Gene: APOB (apolipoprotein B; minus strand). Cytogenetic location: 2p24.1.
Variant type: single nucleotide variant.
Coding change: c.3414C>T on transcript NM_000384.3 (MANE Select); coding-DNA position 3414, C replaced by T.
Protein change: p.Leu1138=; no amino-acid change (leucine 1138 retained).
Molecular consequence: synonymous variant.
Genome position (GRCh38, 1-based): chr2:21,015,464, G>A on the plus strand (C>T on the coding strand, the complement: APOB is on the minus strand). VCF-style: chr2-21015464-G-A. GRCh37 (hg19) VCF-style: chr2-21238336-G-A.
Identifiers: ClinVar variation 630323 (VCV000630323.17), dbSNP rs140456702, ClinGen allele CA058774.

ClinVar aggregate classification (germline): Likely benign. Review status: criteria provided, multiple submitters, no conflicts (2 of 4 stars). 4 submissions from 4 submitters: Likely benign (4). Last evaluated 2025-12-16.

Conditions:
Cardiovascular phenotype. Identifiers: MedGen CN230736.
Familial hypercholesterolemia. Also called: Familial hypercholesterolaemia; Familial hypercholesterolemias. Identifiers: MedGen C0020445, MONDO:0005439.
Familial hypobetalipoproteinemia 1. Also called: Hypobetalipoproteinemia, normotriglyceridemic; Acanthocytosis with hypobetalipoproteinemia; APOB-Related Familial Hypobetalipoproteinemia. Identifiers: MedGen C4551990, MONDO:0014252, OMIM 615558.
Hypercholesterolemia, autosomal dominant, type B (FHCL2). Also called: Familial Hypercholesterolemia Type B; APOLIPOPROTEIN B-100, FAMILIAL DEFECTIVE; APOLIPOPROTEIN B-100, FAMILIAL LIGAND-DEFECTIVE; APOB-Related Familial Hypercholesterolemia, Autosomal Dominant; Hyperlipoproteinemia Type IIb; HYPERCHOLESTEROLEMIA, FAMILIAL, DUE TO LIGAND-DEFECTIVE APOLIPOPROTEIN B. Identifiers: MedGen C1704417, MONDO:0007751, OMIM 144010.

Allele frequency attached by ClinVar (database versions not stated): gnomAD exomes 0.00005 and 0.00014; TOPMed 0.00006; gnomAD 0.00007 and 0.00008; ESP Exome Variant Server 0.00008; ExAC 0.00012.
gnomAD v4.1: 78 of 1,613,982 alleles (0.0048%); highest among the groups gnomAD compares: East Asian, 0.062%; no homozygotes.

Submissions (4):

Labcorp Genetics (formerly Invitae), Labcorp
Classification: Likely benign for Familial hypobetalipoproteinemia 1; Hypercholesterolemia, autosomal dominant, type B. Last evaluated: 2025-12-16. Review status: criteria provided, single submitter. Criteria: Invitae Variant Classification Sherloc (09022015). Collection method: clinical testing. Allele origin: germline.

GENinCode PLC
Classification: Likely benign for Familial hypercholesterolemia. Last evaluated: 2024-08-06. Review status: criteria provided, single submitter. Criteria: ACMG Guidelines, 2015. Collection method: clinical testing. Allele origin: germline.
Comment: This is a synonymous (silent) variant that is not predicted by SpliceAI to impact splicing. In addition, it occurs at a nucleotide that is not conserved. Therefore this variant has been classified as Likely Benign (BP4, BP7).

Blueprint Genetics
Classification: Likely benign. Last evaluated: 2023-08-07. Review status: criteria provided, single submitter. Criteria: ACMG Guidelines, 2015. Collection method: clinical testing. Allele origin: germline.

Ambry Genetics
Classification: Likely benign for Cardiovascular phenotype. Last evaluated: 2018-11-28. Review status: criteria provided, single submitter. Criteria: Ambry Variant Classification Scheme 2023. Collection method: clinical testing. Allele origin: germline.